The following is an entry in ClinVar:

NM_005428.4(VAV1):c.259G>A (p.Gly87Ser)

Gene: VAV1 (vav guanine nucleotide exchange factor 1; plus strand). Cytogenetic location: 19p13.3.
Variant type: single nucleotide variant.
Coding change: c.259G>A on transcript NM_005428.4 (MANE Select); coding-DNA position 259, G replaced by A.
Protein change: p.Gly87Ser; replaces glycine 87 with serine.
Molecular consequence: missense variant.
Genome position (GRCh38, 1-based): chr19:6,820,756, G>A. VCF-style: chr19-6820756-G-A. GRCh37 (hg19) VCF-style: chr19-6820767-G-A.
Other names: c.259G>A, p.Gly87Ser (NM_001258206.2, NM_001258207.2); short protein forms G87S.
Identifiers: ClinVar variation 4774852 (VCV004774852.1).

ClinVar aggregate classification (germline): Uncertain significance (1 of 4 stars; one submission).

gnomAD v4.1: 6 of 1,614,060 alleles (0.00037%); highest among the groups gnomAD compares: East Asian, 0.0022%; no homozygotes.

Submission:

Labcorp Genetics (formerly Invitae), Labcorp
Classification: Uncertain significance. Last evaluated: 2025-10-26. Review status: criteria provided, single submitter. Criteria: Invitae Variant Classification Sherloc (09022015). Collection method: clinical testing. Allele origin: germline.
Comment: This sequence change replaces glycine, which is neutral and non-polar, with serine, which is neutral and polar, at codon 87 of the VAV1 protein (p.Gly87Ser). This variant is present in population databases (no rsID available, gnomAD 0.0009%). This variant has not been reported in the literature in individuals affected with VAV1-related conditions. An algorithm developed to predict the effect of missense changes on protein structure and function (PolyPhen-2) suggests that this variant is likely to be disruptive. In summary, the available evidence is currently insufficient to determine the role of this variant in disease. Therefore, it has been classified as a Variant of Uncertain Significance.